The following is an entry in ClinVar:

NM_000297.4(PKD2):c.76C>T (p.Pro26Ser)

Genes: PKD2 (polycystin 2, transient receptor potential cation channel; plus strand), LOC129992813 (ATAC-STARR-seq lymphoblastoid silent region 15559; plus strand). Cytogenetic location: 4q22.1.
Variant type: single nucleotide variant.
Coding change: c.76C>T on transcript NM_000297.4 (MANE Select); coding-DNA position 76, C replaced by T.
Protein change: p.Pro26Ser; replaces proline 26 with serine.
Molecular consequence: missense variant. On other transcripts: non-coding transcript variant (1).
Genome position (GRCh38, 1-based): chr4:88,007,809, C>T. VCF-style: chr4-88007809-C-T. GRCh37 (hg19) VCF-style: chr4-88928961-C-T.
Other names: c.76C>T (NM_000297.3); short protein forms P26S.
Identifiers: ClinVar variation 1983131 (VCV001983131.4), dbSNP rs1037715951, ClinGen allele CA100872988.

ClinVar aggregate classification (germline): Uncertain significance. Review status: criteria provided, multiple submitters, no conflicts (2 of 4 stars). 2 submissions from 2 submitters: Uncertain significance (2). Last evaluated 2025-02-19.

Conditions:
Inborn genetic diseases. Identifiers: MedGen C0950123, MeSH D030342.
Autosomal dominant polycystic kidney disease. Identifiers: Orphanet 730, MedGen C0085413, MONDO:0004691.

Allele frequency attached by ClinVar (database versions not stated): gnomAD 0.00003; gnomAD exomes 0.00003; TOPMed 0.00003.
gnomAD v4.1: 37 of 1,167,386 alleles (0.0032%); highest among the groups gnomAD compares: Admixed American, 0.0094%; no homozygotes.

Submissions (2):

Ambry Genetics
Classification: Uncertain significance for Inborn genetic diseases. Last evaluated: 2025-02-19. Review status: criteria provided, single submitter. Criteria: Ambry Variant Classification Scheme 2023. Collection method: clinical testing. Allele origin: germline.

Labcorp Genetics (formerly Invitae), Labcorp
Classification: Uncertain significance for Autosomal dominant polycystic kidney disease. Last evaluated: 2024-12-20. Review status: criteria provided, single submitter. Criteria: Invitae Variant Classification Sherloc (09022015). Collection method: clinical testing. Allele origin: germline.
Comment: This sequence change replaces proline, which is neutral and non-polar, with serine, which is neutral and polar, at codon 26 of the PKD2 protein (p.Pro26Ser). This variant is present in population databases (no rsID available, gnomAD 0.007%). This variant has not been reported in the literature in individuals affected with PKD2-related conditions. This missense change has been observed in at least one individual who was not affected with PKD2-related conditions (internal data). ClinVar contains an entry for this variant (Variation ID: 1983131). An algorithm developed to predict the effect of missense changes on protein structure and function (PolyPhen-2) suggests that this variant is likely to be tolerated. In summary, the available evidence is currently insufficient to determine the role of this variant in disease. Therefore, it has been classified as a Variant of Uncertain Significance.